The following is an entry in ClinVar:

NM_007227.3(GPR45):c.112G>T (p.Ala38Ser)

Gene: GPR45 (G protein-coupled receptor 45; plus strand). Cytogenetic location: 2q12.1.
Variant type: single nucleotide variant.
Coding change: c.112G>T on transcript NM_007227.3 (MANE Select); coding-DNA position 112, G replaced by T.
Protein change: p.Ala38Ser; replaces alanine 38 with serine.
Molecular consequence: missense variant.
Genome position (GRCh38, 1-based): chr2:105,241,970, G>T. VCF-style: chr2-105241970-G-T. GRCh37 (hg19) VCF-style: chr2-105858427-G-T.
Other names: short protein forms A38S.
Identifiers: ClinVar variation 4773070 (VCV004773070.1).

ClinVar aggregate classification (germline): Uncertain significance (1 of 4 stars; one submission).

Submission:

Labcorp Genetics (formerly Invitae), Labcorp
Classification: Uncertain significance. Last evaluated: 2025-03-31. Review status: criteria provided, single submitter. Criteria: Invitae Variant Classification Sherloc (09022015). Collection method: clinical testing. Allele origin: germline.
Comment: This sequence change replaces alanine, which is neutral and non-polar, with serine, which is neutral and polar, at codon 38 of the GPR45 protein (p.Ala38Ser). This variant is present in population databases (no rsID available, gnomAD 0.003%). This variant has not been reported in the literature in individuals affected with GPR45-related conditions. An algorithm developed to predict the effect of missense changes on protein structure and function (PolyPhen-2) suggests that this variant is likely to be tolerated. In summary, the available evidence is currently insufficient to determine the role of this variant in disease. Therefore, it has been classified as a Variant of Uncertain Significance.